The following is an entry in ClinVar:

NM_004830.4(MED23):c.1077+5G>A

Gene: MED23 (mediator complex subunit 23; minus strand). Cytogenetic location: 6q23.2.
Variant type: single nucleotide variant.
Coding change: c.1077+5G>A on transcript NM_004830.4 (MANE Select); 5 bases into the intron after coding-DNA position 1077, G replaced by A.
Molecular consequence: intron variant.
Genome position (GRCh38, 1-based): chr6:131,610,041, C>T on the plus strand (G>A on the coding strand, the complement: MED23 is on the minus strand). VCF-style: chr6-131610041-C-T. GRCh37 (hg19) VCF-style: chr6-131931181-C-T.
Other names: c.1077+5G>A (NM_001270521.2, NM_001376524.1, NM_001376522.1 and 3 more transcripts); c.1095+5G>A (NM_015979.4, NM_001376517.1); c.1023+5G>A (NM_001376518.1); c.822+5G>A (NM_001376523.1); c.936+5G>A (NM_001376520.1).
Identifiers: ClinVar variation 3049824 (VCV003049824.2), dbSNP rs765447949, ClinGen allele CA4000057.

ClinVar aggregate classification (germline): Likely benign (0 of 4 stars; one submission).

Conditions:
MED23-related disorder. Also called: MED23-related condition.

Allele frequency attached by ClinVar (database versions not stated): gnomAD 0.00003; TOPMed 0.00003; gnomAD exomes 0.00004; ExAC 0.00009.
gnomAD v4.1: 25 of 1,612,408 alleles (0.0016%); highest among the groups gnomAD compares: Admixed American, 0.037%; no homozygotes.

Submission:

PreventionGenetics, part of Exact Sciences
Classification: Likely benign for MED23-related condition. Last evaluated: 2019-07-22. Review status: no assertion criteria provided. Collection method: clinical testing. Allele origin: germline.
Comment: This variant is classified as likely benign based on ACMG/AMP sequence variant interpretation guidelines (Richards et al. 2015 PMID: 25741868, with internal and published modifications).